The following is an entry in ClinVar:

NM_005006.7(NDUFS1):c.1061T>A (p.Leu354His)

Gene: NDUFS1 (NADH:ubiquinone oxidoreductase core subunit S1; minus strand). Cytogenetic location: 2q33.3.
Variant type: single nucleotide variant.
Coding change: c.1061T>A on transcript NM_005006.7 (MANE Select); coding-DNA position 1061, T replaced by A.
Protein change: p.Leu354His; replaces leucine 354 with histidine.
Molecular consequence: missense variant.
Genome position (GRCh38, 1-based): chr2:206,142,758, A>T on the plus strand (T>A on the coding strand, the complement: NDUFS1 is on the minus strand). VCF-style: chr2-206142758-A-T. GRCh37 (hg19) VCF-style: chr2-207007482-A-T.
Other names: c.953T>A, p.Leu318His (NM_001199981.2); c.728T>A, p.Leu243His (NM_001199982.2); c.890T>A, p.Leu297His (NM_001199983.2); c.1103T>A, p.Leu368His (NM_001199984.2); c.1061T>A (NM_005006.5); short protein forms L354H, L368H, L243H, L297H, L318H.
Identifiers: ClinVar variation 289180 (VCV000289180.9), dbSNP rs139690694, ClinGen allele CA2070576.

ClinVar aggregate classification (germline): Uncertain significance. Review status: criteria provided, multiple submitters, no conflicts (2 of 4 stars). 3 submissions from 3 submitters: Uncertain significance (3). Last evaluated 2024-12-09.

Allele frequency attached by ClinVar (database versions not stated): gnomAD exomes 0.00003 and 0.00008; ExAC 0.00012; gnomAD 0.00033 and 0.00034; 1000 Genomes Project 0.00040; TOPMed 0.00041; ESP Exome Variant Server 0.00046; 1000 Genomes Project 30x 0.00047.

Submissions (3):

Labcorp Genetics (formerly Invitae), Labcorp
Classification: Uncertain significance. Last evaluated: 2024-12-09. Review status: criteria provided, single submitter. Criteria: Invitae Variant Classification Sherloc (09022015). Collection method: clinical testing. Allele origin: germline.
Comment: This sequence change replaces leucine, which is neutral and non-polar, with histidine, which is basic and polar, at codon 354 of the NDUFS1 protein (p.Leu354His). This variant is present in population databases (rs139690694, gnomAD 0.1%). This variant has not been reported in the literature in individuals affected with NDUFS1-related conditions. ClinVar contains an entry for this variant (Variation ID: 289180). Invitae Evidence Modeling of protein sequence and biophysical properties (such as structural, functional, and spatial information, amino acid conservation, physicochemical variation, residue mobility, and thermodynamic stability) indicates that this missense variant is expected to disrupt NDUFS1 protein function with a positive predictive value of 95%. In summary, the available evidence is currently insufficient to determine the role of this variant in disease. Therefore, it has been classified as a Variant of Uncertain Significance.

GeneDx
Classification: Uncertain significance. Last evaluated: 2024-09-13. Review status: criteria provided, single submitter. Criteria: GeneDx Variant Classification Process June 2021. Collection method: clinical testing. Allele origin: germline. Affected: yes.
Comment: In silico analysis supports that this missense variant has a deleterious effect on protein structure/function; Has not been previously published as pathogenic or benign to our knowledge

Eurofins Ntd Llc (ga)
Classification: Uncertain significance. Last evaluated: 2016-07-19. Review status: criteria provided, single submitter. Criteria: EGL Classification Definitions 2015. Collection method: clinical testing. Allele origin: germline. Observed: 1 variant allele, 1 heterozygote.